The following is an entry in ClinVar:

NM_001848.3(COL6A1):c.-5C>G

Gene: COL6A1 (collagen type VI alpha 1 chain; plus strand). Cytogenetic location: 21q22.3.
Variant type: single nucleotide variant.
Coding change: c.-5C>G on transcript NM_001848.3 (MANE Select); 5 bases upstream of the start codon, C replaced by G.
Molecular consequence: 5 prime UTR variant.
Genome position (GRCh38, 1-based): chr21:45,981,846, C>G. VCF-style: chr21-45981846-C-G. GRCh37 (hg19) VCF-style: chr21-47401760-C-G.
Identifiers: ClinVar variation 93792 (VCV000093792.23), dbSNP rs7671, ClinGen allele CA147298.
Genomic context (GRCh38, chr21:45,981,846, plus strand): 5'-CTCTGGGCGGCGGCGGCGGCCCACTCTGCCCTGGCCGCGCTGTGTGGTGACCGCAGGCCC[C>G]AGACATGAGGGCGGCCCGTGCTCTGCTGCCCCTGCTGCTGCAGGCCTGCTGGACAGCCGC-3'

ClinVar aggregate classification (germline): Benign. Review status: criteria provided, multiple submitters, no conflicts (2 of 4 stars). 10 submissions from 10 submitters: Benign (7). 3 of the submissions do not count toward it. Last evaluated 2018-01-12.

Conditions:
Collagen 6-related myopathy. Identifiers: MedGen CN117976, MONDO:0100225.

Allele frequency attached by ClinVar (database versions not stated): ESP Exome Variant Server 0.42832; ExAC 0.61317; gnomAD 0.46506 and 0.47510; TOPMed 0.46994; 1000 Genomes Project 0.53654; gnomAD exomes 0.55473; 1000 Genomes Project 30x 0.52983.

Submissions (10):

Illumina Laboratory Services, Illumina
Classification: Benign for Collagen VI-related myopathy. Last evaluated: 2018-01-12. Review status: criteria provided, single submitter. Criteria: ICSL Variant Classification Criteria 13 December 2019. Collection method: clinical testing. Allele origin: germline.
Comment: This variant was observed in the ICSL laboratory as part of a predisposition screen in an ostensibly healthy population. It had not been previously curated by ICSL or reported in the Human Gene Mutation Database (HGMD: prior to June 1st, 2018), and was therefore a candidate for classification through an automated scoring system. Utilizing variant allele frequency, disease prevalence and penetrance estimates, and inheritance mode, an automated score was calculated to assess if this variant is too frequent to cause the disease. Based on the score and internal cut-off values, a variant classified as benign is not then subjected to further curation. The score for this variant resulted in a classification of benign for this disease.

Mayo Clinic Laboratories, Mayo Clinic
Classification: Benign. Last evaluated: 2017-12-04. Review status: criteria provided, single submitter. Criteria: ACMG Guidelines, 2015. Collection method: clinical testing. Allele origin: germline. Observed: 593 variant alleles.

Eurofins Ntd Llc (ga)
Classification: Benign. Last evaluated: 2016-05-20. Review status: criteria provided, single submitter. Criteria: EGL Classification Definitions 2015. Collection method: clinical testing. Allele origin: germline. Observed: 162 variant alleles, 105 heterozygotes, 57 homozygotes.

GeneDx
Classification: Benign. Last evaluated: 2016-01-25. Review status: criteria provided, single submitter. Criteria: GeneDx Variant Classification (06012015). Collection method: clinical testing. Allele origin: germline. Affected: yes.
Comment: This variant is considered likely benign or benign based on one or more of the following criteria: it is a conservative change, it occurs at a poorly conserved position in the protein, it is predicted to be benign by multiple in silico algorithms, and/or has population frequency not consistent with disease.

Genetic Services Laboratory, University of Chicago
Classification: Benign for AllHighlyPenetrant. Last evaluated: 2013-08-15. Review status: criteria provided, single submitter. Criteria: ACMG Guidelines, 2007. Collection method: clinical testing. Allele origin: germline.

Breakthrough Genomics
Classification: Benign. Review status: criteria provided, single submitter. Criteria: ACMG Guidelines, 2015. Collection method: not provided. Allele origin: germline. Inheritance: Autosomal recessive inheritance. Affected: yes.

PreventionGenetics, part of Exact Sciences
Classification: Benign. Review status: criteria provided, single submitter. Criteria: ACMG Guidelines, 2015. Collection method: clinical testing. Allele origin: germline.

Clinical Genetics, Academic Medical Center
Classification: Benign. Review status: no assertion criteria provided. Collection method: clinical testing. Allele origin: germline. Affected: yes. Study: VKGL Data-share Consensus. Not counted in ClinVar's aggregate classification.

Diagnostic Laboratory, Department of Genetics, University Medical Center Groningen
Classification: Benign. Review status: no assertion criteria provided. Collection method: clinical testing. Allele origin: germline. Affected: yes. Study: VKGL Data-share Consensus. Not counted in ClinVar's aggregate classification.

Joint Genome Diagnostic Labs from Nijmegen and Maastricht, Radboudumc and MUMC+
Classification: Benign. Review status: no assertion criteria provided. Collection method: clinical testing. Allele origin: germline. Affected: yes. Study: VKGL Data-share Consensus. Not counted in ClinVar's aggregate classification.